The following is an entry in ClinVar:

ClinVar aggregate classification (germline): Likely benign (1 of 4 stars; one submission).

Allele frequency attached by ClinVar (database versions not stated): gnomAD 0.00790 and 0.00846; TOPMed 0.00877; 1000 Genomes Project 0.00938; 1000 Genomes Project 30x 0.01093.
gnomAD v4.1: 1,189 of 152,306 alleles (0.78%); highest among the groups gnomAD compares: African/African-American, 2.7%; 11 homozygotes.

Submission:

GeneDx
Classification: Likely benign. Last evaluated: 2018-06-14. Review status: criteria provided, single submitter. Criteria: GeneDx Variant Classification (06012015). Collection method: clinical testing. Allele origin: germline. Affected: yes.
Comment: This variant is considered likely benign or benign based on one or more of the following criteria: it is a conservative change, it occurs at a poorly conserved position in the protein, it is predicted to be benign by multiple in silico algorithms, and/or has population frequency not consistent with disease.

NM_000138.5(FBN1):c.6163+258A>C

Gene: FBN1 (fibrillin 1; minus strand). Cytogenetic location: 15q21.1.
Variant type: single nucleotide variant.
Coding change: c.6163+258A>C on transcript NM_000138.5 (MANE Select); 258 bases into the intron after coding-DNA position 6163, A replaced by C.
Molecular consequence: intron variant.
Genome position (GRCh38, 1-based): chr15:48,441,463, T>G on the plus strand (A>C on the coding strand, the complement: FBN1 is on the minus strand). VCF-style: chr15-48441463-T-G. GRCh37 (hg19) VCF-style: chr15-48733660-T-G.
Identifiers: ClinVar variation 680956 (VCV000680956.1), dbSNP rs116833750, ClinGen allele CA269530511.